The following is an entry in ClinVar:

NM_021098.3(CACNA1H):c.4580A>G (p.His1527Arg)

Gene: CACNA1H (calcium voltage-gated channel subunit alpha1 H; plus strand). Cytogenetic location: 16p13.3.
Variant type: single nucleotide variant.
Coding change: c.4580A>G on transcript NM_021098.3 (MANE Select); coding-DNA position 4580, A replaced by G.
Protein change: p.His1527Arg; replaces histidine 1527 with arginine.
Molecular consequence: missense variant.
Genome position (GRCh38, 1-based): chr16:1,211,959, A>G. VCF-style: chr16-1211959-A-G. GRCh37 (hg19) VCF-style: chr16-1261959-A-G.
Other names: c.4580A>G, p.His1527Arg (NM_001005407.2); short protein forms H1527R.
Identifiers: ClinVar variation 1477320 (VCV001477320.8), dbSNP rs2141351607, ClinGen allele CA394180576.

ClinVar aggregate classification (germline): Uncertain significance (1 of 4 stars; one submission).

Conditions:
Hyperaldosteronism, familial, type IV (HALD4). Also called: FH IV; ALDOSTERONISM, PRIMARY, AND HYPERTENSION. Identifiers: Orphanet 642671, MedGen C4310756, MONDO:0014875, OMIM 617027.
Idiopathic generalized epilepsy. Also called: EIG; Generalised epilepsy. Identifiers: MedGen C0270850, MONDO:0005579, OMIM 600669.

Submission:

Labcorp Genetics (formerly Invitae), Labcorp
Classification: Uncertain significance for Idiopathic generalized epilepsy; Hyperaldosteronism, familial, type IV. Last evaluated: 2021-06-22. Review status: criteria provided, single submitter. Criteria: Invitae Variant Classification Sherloc (09022015). Collection method: clinical testing. Allele origin: germline.
Comment: This sequence change replaces histidine with arginine at codon 1527 of the CACNA1H protein (p.His1527Arg). The histidine residue is highly conserved and there is a small physicochemical difference between histidine and arginine. In summary, the available evidence is currently insufficient to determine the role of this variant in disease. Therefore, it has been classified as a Variant of Uncertain Significance. Algorithms developed to predict the effect of missense changes on protein structure and function are either unavailable or do not agree on the potential impact of this missense change (SIFT: "Deleterious"; PolyPhen-2: "Benign"; Align-GVGD: "Class C25"). This variant has not been reported in the literature in individuals with CACNA1H-related conditions. This variant is not present in population databases (ExAC no frequency).